The following is an entry in ClinVar:

ClinVar aggregate classification (germline): Likely pathogenic (0 of 4 stars; one submission).

Conditions:
Developmental and epileptic encephalopathy, 32 (DEE32). Also called: Epileptic encephalopathy, early infantile, 32. Identifiers: Orphanet 442835, MedGen C4225350, MONDO:0014607, OMIM 616366.

Submission:

Clinical Genomics Laboratory, Stanford Medicine
Classification: Likely pathogenic for Developmental and epileptic encephalopathy, 32. Last evaluated: 2018-11-09. Review status: no assertion criteria provided. Collection method: clinical testing. Allele origin: germline. Inheritance: Autosomal dominant inheritance. Affected: yes.
Comment: The p.His310Arg variant in the KCNA2 gene has previously been reported de novo in an individual with severe intellectual disability, motor delay, absent speech, epilepsy, unclassified autism, pervasive behavioral problems and hypertonia (Leiden Open Variation Database (LOVD); personal communication). The p.His310Arg variant is absent from large population databases, including the Genome Aggregation Database. Although this variant is located in a conserved, functional domain (S4 segment of the voltage sensor domain), it is not located in the N-terminal region of the S4 segment where previously reported variants have clustered. However, the KCNA2 gene has fewer missense variants in the general population than expected and a low rate of missense variation may suggest that this gene is intolerant to missense variation. Computational tools predict that the p.His310Arg variant is deleterious; however, the accuracy of in silico algorithms is limited. These data were assessed using the ACMG/AMP variant interpretation guidelines. In summary, there is sufficient evidence to classify the p.His310Arg variant as likely pathogenic for disease in an autosomal dominant manner [ACMG/AMP guidelines used: PM6, PM2, PP2, PP3].

NM_004974.4(KCNA2):c.929A>G (p.His310Arg)

Gene: KCNA2 (potassium voltage-gated channel subfamily A member 2; minus strand). Cytogenetic location: 1p13.3.
Variant type: single nucleotide variant.
Coding change: c.929A>G on transcript NM_004974.4 (MANE Select); coding-DNA position 929, A replaced by G.
Protein change: p.His310Arg; replaces histidine 310 with arginine.
Molecular consequence: missense variant. On other transcripts: intron variant (1).
Genome position (GRCh38, 1-based): chr1:110,603,854, T>C on the plus strand (A>G on the coding strand, the complement: KCNA2 is on the minus strand). VCF-style: chr1-110603854-T-C. GRCh37 (hg19) VCF-style: chr1-111146476-T-C.
Other names: c.894+35A>G (NM_001204269.2); short protein forms H310R.
Identifiers: ClinVar variation 975835 (VCV000975835.1), dbSNP rs1649470988, ClinGen allele CA341602724.